The following is an entry in ClinVar:

NM_001375524.1(TRRAP):c.310G>T (p.Glu104Ter)

Gene: TRRAP (transformation/transcription domain associated protein; plus strand). Cytogenetic location: 7q22.1.
Variant type: single nucleotide variant.
Coding change: c.310G>T on transcript NM_001375524.1 (MANE Select); coding-DNA position 310, G replaced by T.
Protein change: p.Glu104Ter; replaces glutamic acid 104 with a stop codon.
Molecular consequence: nonsense.
Genome position (GRCh38, 1-based): chr7:98,892,472, G>T. VCF-style: chr7-98892472-G-T. GRCh37 (hg19) VCF-style: chr7-98490095-G-T.
Other names: c.310G>T, p.Glu104Ter (NM_001244580.2, NM_003496.4); short protein forms E104*.
Identifiers: ClinVar variation 3899981 (VCV003899981.1).

ClinVar aggregate classification (germline): Likely pathogenic (1 of 4 stars; one submission).

Conditions:
Developmental delay with or without dysmorphic facies and autism. Identifiers: MedGen C5193106, MONDO:0032760, OMIM 618454.

Submission:

Gharavi Laboratory, Columbia University
Classification: Likely pathogenic for Developmental delay with or without dysmorphic facies and autism. Last evaluated: 2024-11-05. Review status: criteria provided, single submitter. Criteria: ACMG Guidelines, 2015. Collection method: case-control. Allele origin: germline. Affected: yes.
Comment: Compound heterozygote with NM_001244580.2:c.8713G>T

ENST00000355540